The following is an entry in ClinVar:

NM_000059.4(BRCA2):c.6938G>A (p.Gly2313Asp)

Gene: BRCA2 (BRCA2 DNA repair associated; plus strand). Cytogenetic location: 13q13.1.
Variant type: single nucleotide variant.
Coding change: c.6938G>A on transcript NM_000059.4 (MANE Select); coding-DNA position 6938, G replaced by A.
Protein change: p.Gly2313Asp; replaces glycine 2313 with aspartic acid.
Molecular consequence: missense variant. On other transcripts: non-coding transcript variant (1).
Genome position (GRCh38, 1-based): chr13:32,346,827, G>A. VCF-style: chr13-32346827-G-A. GRCh37 (hg19) VCF-style: chr13-32920964-G-A.
Other names: c.6842G>A, p.Gly2281Asp (NM_001406719.1); c.6938G>A, p.Gly2313Asp (NM_001406720.1, NM_001432077.1); c.2006G>A, p.Gly669Asp (NM_001406721.1); c.521G>A, p.Gly174Asp (NM_001406722.1); short protein forms G174D, G2281D, G2313D, G669D.
Identifiers: ClinVar variation 4716185 (VCV004716185.1).

ClinVar aggregate classification (germline): Uncertain significance (1 of 4 stars; one submission).

Conditions:
Hereditary breast ovarian cancer syndrome. Also called: BRCA1- and BRCA2-Associated Hereditary Breast and Ovarian Cancer; Breast and ovarian cancer; Hereditary breast and ovarian cancer syndrome; Hereditary breast and ovarian cancer syndrome (HBOC); Hereditary breast and/or ovarian cancer syndrome; Hereditary breast and ovarian cancer. Identifiers: Orphanet 145, MedGen C0677776, MeSH D061325, MONDO:0003582. Disease mechanism: loss of function.

Submission:

Labcorp Genetics (formerly Invitae), Labcorp
Classification: Uncertain significance for Hereditary breast ovarian cancer syndrome. Last evaluated: 2025-03-27. Review status: criteria provided, single submitter. Criteria: Invitae Variant Classification Sherloc (09022015). Collection method: clinical testing. Allele origin: germline.
Comment: This sequence change replaces glycine, which is neutral and non-polar, with aspartic acid, which is acidic and polar, at codon 2313 of the BRCA2 protein (p.Gly2313Asp). This variant is not present in population databases (gnomAD no frequency). This variant has not been reported in the literature in individuals affected with BRCA2-related conditions. An algorithm developed to predict the effect of missense changes on protein structure and function (PolyPhen-2) suggests that this variant is likely to be disruptive. In summary, the available evidence is currently insufficient to determine the role of this variant in disease. Therefore, it has been classified as a Variant of Uncertain Significance.